The following is an entry in ClinVar:

NM_001364905.1(LRBA):c.1409T>C (p.Ile470Thr)

Gene: LRBA (LPS responsive beige-like anchor protein; minus strand). Cytogenetic location: 4q31.3.
Variant type: single nucleotide variant.
Coding change: c.1409T>C on transcript NM_001364905.1 (MANE Select); coding-DNA position 1409, T replaced by C.
Protein change: p.Ile470Thr; replaces isoleucine 470 with threonine.
Molecular consequence: missense variant.
Genome position (GRCh38, 1-based): chr4:150,908,418, A>G on the plus strand (T>C on the coding strand, the complement: LRBA is on the minus strand). VCF-style: chr4-150908418-A-G. GRCh37 (hg19) VCF-style: chr4-151829570-A-G.
Other names: c.1409T>C, p.Ile470Thr (NM_001199282.3, NM_001367550.1, NM_006726.5); short protein forms I470T.
Identifiers: ClinVar variation 1395794 (VCV001395794.6), dbSNP rs573924244, ClinGen allele CA3103584.

ClinVar aggregate classification (germline): Uncertain significance. Review status: criteria provided, multiple submitters, no conflicts (2 of 4 stars). 2 submissions from 2 submitters: Uncertain significance (2). Last evaluated 2024-03-28.

Conditions:
Inborn genetic diseases. Identifiers: MedGen C0950123, MeSH D030342.
Combined immunodeficiency due to LRBA deficiency. Also called: Common variable immunodeficiency 8, with autoimmunity. Identifiers: Orphanet 445018, MedGen C3553512, MONDO:0013863, OMIM 614700.

Allele frequency attached by ClinVar (database versions not stated): ExAC 0.00002; gnomAD 0.00003; TOPMed 0.00003; gnomAD exomes 0.00004 and 0.00006.
gnomAD v4.1: 86 of 1,609,834 alleles (0.0053%); highest among the groups gnomAD compares: Non-Finnish European, 0.007%; no homozygotes.

Submissions (2):

Ambry Genetics
Classification: Uncertain significance for Inborn genetic diseases. Last evaluated: 2024-03-28. Review status: criteria provided, single submitter. Criteria: Ambry Variant Classification Scheme 2023. Collection method: clinical testing. Allele origin: germline.

Labcorp Genetics (formerly Invitae), Labcorp
Classification: Uncertain significance for Combined immunodeficiency due to LRBA deficiency. Last evaluated: 2022-08-15. Review status: criteria provided, single submitter. Criteria: Invitae Variant Classification Sherloc (09022015). Collection method: clinical testing. Allele origin: germline.
Comment: This sequence change replaces isoleucine, which is neutral and non-polar, with threonine, which is neutral and polar, at codon 470 of the LRBA protein (p.Ile470Thr). This variant is present in population databases (rs573924244, gnomAD 0.007%). This variant has not been reported in the literature in individuals affected with LRBA-related conditions. ClinVar contains an entry for this variant (Variation ID: 1395794). Algorithms developed to predict the effect of missense changes on protein structure and function are either unavailable or do not agree on the potential impact of this missense change (SIFT: "Deleterious"; PolyPhen-2: "Benign"; Align-GVGD: "Class C0"). In summary, the available evidence is currently insufficient to determine the role of this variant in disease. Therefore, it has been classified as a Variant of Uncertain Significance.